The following is an entry in ClinVar:

ClinVar aggregate classification (germline): Uncertain significance (1 of 4 stars; one submission).

Conditions:
Glycogen storage disease type III (GSD3). Also called: Cori disease; FORBES DISEASE. Identifiers: Orphanet 366, MedGen C0017922, MONDO:0009291, OMIM 232400.

Allele frequency attached by ClinVar (database versions not stated): gnomAD exomes below 0.00001.
gnomAD v4.1: 2 of 1,613,190 alleles (0.00012%); highest among the groups gnomAD compares: Admixed American, 0.0033%; no homozygotes.

Submission:

Labcorp Genetics (formerly Invitae), Labcorp
Classification: Uncertain significance for Glycogen storage disease type III. Last evaluated: 2024-06-12. Review status: criteria provided, single submitter. Criteria: Invitae Variant Classification Sherloc (09022015). Collection method: clinical testing. Allele origin: germline.
Comment: This sequence change replaces lysine, which is basic and polar, with asparagine, which is neutral and polar, at codon 1321 of the AGL protein (p.Lys1321Asn). This variant is present in population databases (no rsID available, gnomAD 0.0009%). This variant has not been reported in the literature in individuals affected with AGL-related conditions. ClinVar contains an entry for this variant (Variation ID: 1396987). Advanced modeling of protein sequence and biophysical properties (such as structural, functional, and spatial information, amino acid conservation, physicochemical variation, residue mobility, and thermodynamic stability) performed at Invitae indicates that this missense variant is not expected to disrupt AGL protein function with a negative predictive value of 80%. In summary, the available evidence is currently insufficient to determine the role of this variant in disease. Therefore, it has been classified as a Variant of Uncertain Significance.

NM_000642.3(AGL):c.3963G>C (p.Lys1321Asn)

Gene: AGL (amylo-alpha-1,6-glucosidase and 4-alpha-glucanotransferase; plus strand). Cytogenetic location: 1p21.2.
Variant type: single nucleotide variant.
Coding change: c.3963G>C on transcript NM_000642.3 (MANE Select); coding-DNA position 3963, G replaced by C.
Protein change: p.Lys1321Asn; replaces lysine 1321 with asparagine.
Molecular consequence: missense variant.
Genome position (GRCh38, 1-based): chr1:99,913,540, G>C. VCF-style: chr1-99913540-G-C. GRCh37 (hg19) VCF-style: chr1-100379096-G-C.
Other names: c.3963G>C, p.Lys1321Asn (NM_000028.3, NM_000643.3, NM_000644.3 and 1 more transcripts); c.3915G>C, p.Lys1305Asn (NM_000646.3); c.3942G>C, p.Lys1314Asn (NM_001425326.1); c.3762G>C, p.Lys1254Asn (NM_001425327.1); c.3759G>C, p.Lys1253Asn (NM_001425328.1); c.3624G>C, p.Lys1208Asn (NM_001425329.1); c.3585G>C, p.Lys1195Asn (NM_001425332.1); short protein forms K1321N, K1305N, K1195N, K1208N, K1253N, K1254N, K1314N.
Identifiers: ClinVar variation 1396987 (VCV001396987.6), dbSNP rs1198045021, ClinGen allele CA341339384.
Genomic context (GRCh38, chr1:99,913,540, plus strand): 5'-AATTGTTTTGAATGATTAAAACTACCATGTCTTATGTCATTTTTCAGGAAAGGCTATAAA[G>C]GTCTCATATGATGAGTGGAACAGAAAAATACAAGACAACTTTGAAAAGCTATTTCATGTT-3'
Protein context (NP_000633.2, residues 1311-1331): VTVKRHGKAI[Lys1321Asn]VSYDEWNRKI